The following is an entry in ClinVar:

NM_032444.4(SLX4):c.1603G>A (p.Ala535Thr)

Gene: SLX4 (SLX4 structure-specific endonuclease subunit; minus strand). Cytogenetic location: 16p13.3.
Variant type: single nucleotide variant.
Coding change: c.1603G>A on transcript NM_032444.4 (MANE Select); coding-DNA position 1603, G replaced by A.
Protein change: p.Ala535Thr; replaces alanine 535 with threonine.
Molecular consequence: missense variant.
Genome position (GRCh38, 1-based): chr16:3,597,459, C>T on the plus strand (G>A on the coding strand, the complement: SLX4 is on the minus strand). VCF-style: chr16-3597459-C-T. GRCh37 (hg19) VCF-style: chr16-3647460-C-T.
Other names: short protein forms A535T.
Identifiers: ClinVar variation 836510 (VCV000836510.16), dbSNP rs776394340, ClinGen allele CA7866476.

ClinVar aggregate classification (germline): Uncertain significance. Review status: criteria provided, multiple submitters, no conflicts (2 of 4 stars). 5 submissions from 5 submitters: Uncertain significance (5). Last evaluated 2025-06-11.

Conditions:
Fanconi anemia complementation group P. Also called: SLX4-Related Fanconi Anemia. Identifiers: Orphanet 84, MedGen C3469542, MONDO:0013499, OMIM 613951.
Fanconi anemia (FA). Also called: Fanconi's anemia. Identifiers: Orphanet 84, MedGen C0015625, MeSH D005199, MONDO:0019391.

Allele frequency attached by ClinVar (database versions not stated): ExAC 0.00001; gnomAD 0.00001; gnomAD exomes 0.00002 and 0.00003; TOPMed 0.00002.
gnomAD v4.1: 41 of 1,613,050 alleles (0.0025%); highest among the groups gnomAD compares: East Asian, 0.016%; no homozygotes.

Submissions (5):

Labcorp Genetics (formerly Invitae), Labcorp
Classification: Uncertain significance for Fanconi anemia. Last evaluated: 2025-06-11. Review status: criteria provided, single submitter. Criteria: Invitae Variant Classification Sherloc (09022015). Collection method: clinical testing. Allele origin: germline.
Comment: This sequence change replaces alanine, which is neutral and non-polar, with threonine, which is neutral and polar, at codon 535 of the SLX4 protein (p.Ala535Thr). This variant is present in population databases (rs776394340, gnomAD 0.006%). This variant has not been reported in the literature in individuals affected with SLX4-related conditions. ClinVar contains an entry for this variant (Variation ID: 836510). An algorithm developed to predict the effect of missense changes on protein structure and function outputs the following: PolyPhen-2: "Benign". The threonine amino acid residue is found in multiple mammalian species, which suggests that this missense change does not adversely affect protein function. In summary, the available evidence is currently insufficient to determine the role of this variant in disease. Therefore, it has been classified as a Variant of Uncertain Significance.

Blueprint Genetics
Classification: Uncertain significance. Last evaluated: 2024-11-27. Review status: criteria provided, single submitter. Criteria: ACMG Guidelines, 2015. Collection method: clinical testing. Allele origin: germline.

Fulgent Genetics
Classification: Uncertain significance for Fanconi anemia complementation group P. Last evaluated: 2024-05-13. Review status: criteria provided, single submitter. Criteria: ACMG Guidelines, 2015. Collection method: clinical testing. Allele origin: germline.

Genetic Services Laboratory, University of Chicago
Classification: Uncertain significance. Last evaluated: 2020-04-22. Review status: criteria provided, single submitter. Criteria: ACMG Guidelines, 2015. Collection method: clinical testing. Allele origin: germline. Affected: no.
Comment: DNA sequence analysis of the SLX4 gene demonstrated a sequence change, c.1603G>A, in exon 7 that results in an amino acid change, p.Ala535Thr. This sequence change does not appear to have been previously described in patients with SLX4-related disorders and has been described in the gnomAD database with a low population frequency of 0.0024% (dbSNP rs776394340). The p.Ala535Thr change affects a moderately conserved amino acid residue located in a domain of the SLX4 protein that is not known to be functional. In-silico pathogenicity prediction tools (SIFT, PolyPhen2, Align GVGD, REVEL) provide contradictory results for the p.Ala535Thr substitution. Due to these contrasting evidences and the lack of functional studies, the clinical significance of the p.Ala535Thr change remains unknown at this time.

Illumina Laboratory Services, Illumina
Classification: Uncertain significance for Fanconi anemia complementation group P. Last evaluated: 2018-01-13. Review status: criteria provided, single submitter. Criteria: ICSL Variant Classification Criteria 13 December 2019. Collection method: clinical testing. Allele origin: germline.